The following is an entry in ClinVar:

NM_002227.4(JAK1):c.242A>G (p.Tyr81Cys)

Gene: JAK1 (Janus kinase 1; minus strand). Cytogenetic location: 1p31.3.
Variant type: single nucleotide variant.
Coding change: c.242A>G on transcript NM_002227.4 (MANE Select); coding-DNA position 242, A replaced by G.
Protein change: p.Tyr81Cys; replaces tyrosine 81 with cysteine.
Molecular consequence: missense variant.
Genome position (GRCh38, 1-based): chr1:64,879,112, T>C on the plus strand (A>G on the coding strand, the complement: JAK1 is on the minus strand). VCF-style: chr1-64879112-T-C. GRCh37 (hg19) VCF-style: chr1-65344795-T-C.
Other names: c.242A>G, p.Tyr81Cys (NM_001320923.2, NM_001321852.2, NM_001321853.2 and 4 more transcripts); short protein forms Y81C.
Identifiers: ClinVar variation 2629033 (VCV002629033.1), dbSNP rs529625257, ClinGen allele CA340679148.
Genomic context (GRCh38, chr1:64,879,112, plus strand): 5'-ATCTTGTCATCAACGGTGATGGTGCGATTTGGAGCATACCAGAGCTTGGTGTTCTCGTCA[T>C]ACAGGGCAAAGAGGTTGTGACAAAGAGGAGAGATACCTGAGGAAAAGTAAAAAAACACAT-3'
Protein context (NP_002218.2, residues 71-91): SPLCHNLFAL[Tyr81Cys]DENTKLWYAP

ClinVar aggregate classification (germline): Uncertain significance (1 of 4 stars; one submission).

Conditions:
JAK1-related disorder. Also called: JAK1-related condition.

Allele frequency attached by ClinVar (database versions not stated): gnomAD exomes below 0.00001.
gnomAD v4.1: 4 of 1,613,984 alleles (0.00025%); highest among the groups gnomAD compares: African/African-American, 0.0013%; no homozygotes.

Submission:

PreventionGenetics, part of Exact Sciences
Classification: Uncertain significance for JAK1-related condition. Last evaluated: 2023-06-05. Review status: criteria provided, single submitter. Criteria: ACMG Guidelines, 2015. Collection method: clinical testing. Allele origin: germline.
Comment: The JAK1 c.242A>G variant is predicted to result in the amino acid substitution p.Tyr81Cys. To our knowledge, this variant has not been reported in the literature. This variant is reported in 0.00088% of alleles in individuals of European (Non-Finnish) descent in gnomAD. At this time, the clinical significance of this variant is uncertain due to the absence of conclusive functional and genetic evidence.